The following is an entry in ClinVar:

NM_022124.6(CDH23):c.3625A>G (p.Thr1209Ala)

Genes: C10orf105 (chromosome 10 open reading frame 105; minus strand), CDH23 (cadherin related 23; plus strand). Cytogenetic location: 10q22.1.
Variant type: single nucleotide variant.
Coding change: c.3625A>G on transcript NM_022124.6 (MANE Select); coding-DNA position 3625, A replaced by G.
Protein change: p.Thr1209Ala; replaces threonine 1209 with alanine.
Molecular consequence: missense variant. On other transcripts: intron variant (1).
Genome position (GRCh38, 1-based): chr10:71,730,514, A>G. VCF-style: chr10-71730514-A-G. GRCh37 (hg19) VCF-style: chr10-73490271-A-G.
Other names: c.3625A>G, p.Thr1209Ala (NM_001171930.2); c.-6+7214T>C (NM_001168390.2); short protein forms T1209A.
Identifiers: ClinVar variation 4927 (VCV000004927.37), dbSNP rs41281314, ClinGen allele CA137387.

ClinVar aggregate classification (germline): Benign. Review status: reviewed by expert panel (3 of 4 stars). 17 submissions from 17 submitters: Benign (1). 16 of the submissions do not count toward it. Last evaluated 2019-05-28.

Conditions:
Usher syndrome. Also called: Usher Syndromes; Usher's syndrome. Identifiers: Orphanet 886, MedGen CN469326, MeSH D052245, MONDO:0019501. Disease mechanism: loss of function.
Autosomal recessive nonsyndromic hearing loss 12. Also called: DEAFNESS, AUTOSOMAL RECESSIVE 12. Identifiers: Orphanet 90636, MedGen C1832394, MONDO:0011067, OMIM 601386.
Usher syndrome type 1D (USH1D). Also called: USHER SYNDROME, TYPE ID. Identifiers: Orphanet 231169, Orphanet 886, MedGen C1832845, MONDO:0010984, OMIM 601067.
Pituitary adenoma 5, multiple types. Identifiers: MedGen C4539685, MONDO:0054601, OMIM 617540.
Usher syndrome type 1 (USH1). Also called: RETINITIS PIGMENTOSA AND CONGENITAL DEAFNESS. Identifiers: Orphanet 231169, Orphanet 886, MedGen C1568247, MONDO:0010168, OMIM 276900.

Allele frequency attached by ClinVar (database versions not stated): gnomAD exomes 0.00417 and 0.01054; 1000 Genomes Project 30x 0.05325; gnomAD 0.04290 and 0.04612; 1000 Genomes Project 0.04932; ExAC 0.01283; TOPMed 0.04885.
gnomAD v4.1: 12,910 of 1,613,916 alleles (0.8%); highest among the groups gnomAD compares: African/African-American, 15%; 906 homozygotes.

Submissions (17):

ClinGen Hearing Loss Variant Curation Expert Panel
Classification: Benign for Usher syndrome. Last evaluated: 2019-05-28. Review status: reviewed by expert panel. Criteria: ClinGen HL ACMG Specifications v1. Collection method: curation. Allele origin: germline. Inheritance: Autosomal recessive inheritance.
Comment: The filtering allele frequency (the lower threshold of the 95% CI of 3442/23972) of the c.3625A>G (p.Thr1209Ala) variant in the CDH23 gene is 13.15% for African chromosomes by gnomAD, which is a high enough frequency to be classified as benign based on thresholds defined by the ClinGen Hearing Loss Expert Panel for autosomal recessive hearing loss variants (BA1). A splicing assay did not show any impact to splicing but BS3 was not applied given no assessment of protein function (PMID:18273900). Computational prediction analysis using the metapredictor tool REVEL did not predict an impact the protein (BP4). Of note, this variant was reported in 3 patients with Usher syndrome (PMID: 15537665, 15660226, 12075507) though without any convincing evidence for pathogenicity (PM3 not met). In summary, this variant meets criteria to be classified as benign. ACMG/AMP criteria applied, as specified by the Hearing Loss Expert Panel : BA1, BS3_Supporting, BP4.

Labcorp Genetics (formerly Invitae), Labcorp
Classification: Benign. Last evaluated: 2026-02-04. Review status: criteria provided, single submitter. Criteria: Invitae Variant Classification Sherloc (09022015). Collection method: clinical testing. Allele origin: germline. Not counted in ClinVar's aggregate classification.

ARUP Laboratories, Molecular Genetics and Genomics, ARUP Laboratories
Classification: Benign. Last evaluated: 2023-11-22. Review status: criteria provided, single submitter. Criteria: ARUP Molecular Germline Variant Investigation Process 2024. Collection method: clinical testing. Allele origin: germline. Not counted in ClinVar's aggregate classification.

Fulgent Genetics
Classification: Benign for Usher syndrome type 1D; Autosomal recessive nonsyndromic hearing loss 12; Pituitary adenoma 5, multiple types. Last evaluated: 2022-05-05. Review status: criteria provided, single submitter. Criteria: ACMG Guidelines, 2015. Collection method: clinical testing. Allele origin: unknown. Not counted in ClinVar's aggregate classification.

Mayo Clinic Laboratories, Mayo Clinic
Classification: Benign. Last evaluated: 2022-03-01. Review status: criteria provided, single submitter. Criteria: ACMG Guidelines, 2015. Collection method: clinical testing. Allele origin: germline. Observed: 7 variant alleles. Not counted in ClinVar's aggregate classification.
Comment: BA1, BS2

Women's Health and Genetics/Laboratory Corporation of America, LabCorp
Classification: Benign. Last evaluated: 2021-12-20. Review status: criteria provided, single submitter. Criteria: LabCorp Variant Classification Summary - May 2015. Collection method: clinical testing. Allele origin: germline. Not counted in ClinVar's aggregate classification.
Comment: Variant summary: CDH23 c.3625A>G (p.Thr1209Ala) results in a non-conservative amino acid change in the encoded protein sequence. Two of three in-silico tools predict a damaging effect of the variant on protein function. The variant allele was found at a frequency of 0.011 in 249000 control chromosomes, predominantly at a frequency of 0.14 within the African or African-American subpopulation in the gnomAD database, including 170 homozygotes. The observed variant frequency within African or African-American control individuals in the gnomAD database is approximately 43.38 fold of the estimated maximal expected allele frequency for a pathogenic variant in CDH23 causing Usher Syndrome phenotype (0.0032), strongly suggesting that the variant is a benign polymorphism found primarily in populations of African or African-American origin. Nine clinical diagnostic laboratories have submitted clinical-significance assessments for this variant to ClinVar after 2014 without evidence for independent evaluation. Based on the evidence outlined above, the variant was classified as benign.

Athena Diagnostics
Classification: Benign. Last evaluated: 2018-05-23. Review status: criteria provided, single submitter. Criteria: Athena Diagnostics Criteria. Collection method: clinical testing. Allele origin: germline. Not counted in ClinVar's aggregate classification.

GeneDx
Classification: Benign. Last evaluated: 2017-11-03. Review status: criteria provided, single submitter. Criteria: GeneDx Variant Classification (06012015). Collection method: clinical testing. Allele origin: germline. Affected: yes. Not counted in ClinVar's aggregate classification.
Comment: This variant is considered likely benign or benign based on one or more of the following criteria: it is a conservative change, it occurs at a poorly conserved position in the protein, it is predicted to be benign by multiple in silico algorithms, and/or has population frequency not consistent with disease.

Illumina Laboratory Services, Illumina
Classification: Likely benign for Autosomal recessive nonsyndromic hearing loss 12. Last evaluated: 2017-04-27. Review status: criteria provided, single submitter. Criteria: ICSL Variant Classification Criteria 13 December 2019. Collection method: clinical testing. Allele origin: germline. Not counted in ClinVar's aggregate classification.
Comment: This variant was observed as part of a predisposition screen in an ostensibly healthy population. A literature search was performed for the gene, cDNA change, and amino acid change (where applicable). Publications were found based on this search. The evidence from the literature, in combination with allele frequency data from public databases where available, was sufficient to determine this variant is unlikely to cause disease. Therefore, this variant is classified as likely benign.

Eurofins Ntd Llc (ga)
Classification: Benign. Last evaluated: 2015-07-10. Review status: criteria provided, single submitter. Criteria: EGL Classification Definitions 2015. Collection method: clinical testing. Allele origin: germline. Observed: 1 variant allele, 1 heterozygote. Not counted in ClinVar's aggregate classification.

Laboratory for Molecular Medicine, Mass General Brigham Personalized Medicine
Classification: Benign. Last evaluated: 2010-09-03. Review status: criteria provided, single submitter. Criteria: LMM Criteria. Collection method: clinical testing. Allele origin: germline. Observed: 63 variant alleles. Not counted in ClinVar's aggregate classification.
Comment: Thr1209Ala in exon 31 of CDH23: This variant has been identified in over 20% of a Black population (dbSNP rs41281314) and is therefore classified as benign.

Breakthrough Genomics
Classification: Benign. Review status: criteria provided, single submitter. Criteria: ACMG Guidelines, 2015. Collection method: not provided. Allele origin: germline. Inheritance: Autosomal recessive inheritance. Affected: yes. Not counted in ClinVar's aggregate classification.

Natera, Inc.
Classification: Benign for Usher syndrome type 1. Last evaluated: 2020-09-16. Review status: no assertion criteria provided. Collection method: clinical testing. Allele origin: germline. Not counted in ClinVar's aggregate classification.

OMIM
Classification: Uncertain significance for RECLASSIFIED - VARIANT OF UNKNOWN SIGNIFICANCE. Last evaluated: 2011-01-12. Review status: no assertion criteria provided. Collection method: literature only. Allele origin: germline. Not counted in ClinVar's aggregate classification.

GeneReviews
No classification provided. Condition: Usher syndrome type 1. Review status: no classification provided. Collection method: literature only. Allele origin: germline. Affected: yes. Not counted in ClinVar's aggregate classification.

Joint Genome Diagnostic Labs from Nijmegen and Maastricht, Radboudumc and MUMC+
Classification: Benign. Review status: no assertion criteria provided. Collection method: clinical testing. Allele origin: germline. Affected: yes. Study: VKGL Data-share Consensus. Not counted in ClinVar's aggregate classification.

NEI Ophthalmic Genomics Laboratory, National Institutes of Health
No classification provided. Review status: no classification provided. Collection method: not provided. Allele origin: not provided. Not counted in ClinVar's aggregate classification.

Literature cited by the submitters: PubMed 18273900 (cited by ClinGen Hearing Loss Variant Curation Expert Panel and Laboratory for Molecular Medicine, Mass General Brigham Personalized Medicine); PubMed 21228398 (cited by Illumina Laboratory Services, Illumina and OMIM); PubMed 12075507 (cited by 3 submitters); PubMed 15537665 (cited by Laboratory for Molecular Medicine, Mass General Brigham Personalized Medicine and OMIM); NCBI Bookshelf NBK1265 (cited by GeneReviews).